The following is an entry in ClinVar:

ClinVar aggregate classification (germline): Uncertain significance (1 of 4 stars; one submission).

Conditions:
Hawkinsinuria. Identifiers: Orphanet 2118, MedGen C2931042, MONDO:0007700, OMIM 140350, HP:0034457.
Tyrosinemia type III. Also called: 4-HYDROXYPHENYLPYRUVIC ACID OXIDASE DEFICIENCY; Tyrosinemia type 3; 4-alpha hydroxyphenylpyruvic acid oxidase deficiency; 4-alpha hydroxyphenylpyruvate dioxygenase deficiency; 4-Hydroxyphenylpyruvate dioxygenase deficiency. Identifiers: Orphanet 69723, MedGen C0268623, MONDO:0010162, OMIM 276710.

Allele frequency attached by ClinVar (database versions not stated): gnomAD exomes below 0.00001; gnomAD 0.00001.
gnomAD v4.1: 3 of 1,613,918 alleles (0.00019%); highest among the groups gnomAD compares: African/African-American, 0.0027%; no homozygotes.

Submission:

Labcorp Genetics (formerly Invitae), Labcorp
Classification: Uncertain significance for Tyrosinemia type III; Hawkinsinuria. Last evaluated: 2020-07-27. Review status: criteria provided, single submitter. Criteria: Invitae Variant Classification Sherloc (09022015). Collection method: clinical testing. Allele origin: germline.
Comment: In summary, the available evidence is currently insufficient to determine the role of this variant in disease. Therefore, it has been classified as a Variant of Uncertain Significance. This sequence change falls in intron 12 of the HPD gene. It does not directly change the encoded amino acid sequence of the HPD protein, but it affects a nucleotide within the consensus splice site of the intron. This variant is not present in population databases (ExAC no frequency). This variant has not been reported in the literature in individuals with HPD-related conditions. Nucleotide substitutions within the consensus splice site are a relatively common cause of aberrant splicing (PMID: 17576681, 9536098). Algorithms developed to predict the effect of sequence changes on RNA splicing suggest that this variant may disrupt the consensus splice site, but this prediction has not been confirmed by published transcriptional studies.

Literature cited by the submitters: PubMed 17576681; PubMed 9536098.

NM_002150.3(HPD):c.954+5G>A

Genes: HPD (4-hydroxyphenylpyruvate dioxygenase; minus strand), TIALD (transcript inducer of AURKA lysosomal degradation; plus strand). Cytogenetic location: 12q24.31.
Variant type: single nucleotide variant.
Coding change: c.954+5G>A on transcript NM_002150.3 (MANE Select); 5 bases into the intron after coding-DNA position 954, G replaced by A.
Molecular consequence: intron variant.
Genome position (GRCh38, 1-based): chr12:121,843,705, C>T on the plus strand (G>A on the coding strand, the complement: HPD is on the minus strand). VCF-style: chr12-121843705-C-T. GRCh37 (hg19) VCF-style: chr12-122281611-C-T.
Other names: c.837+5G>A (NM_001171993.2).
Identifiers: ClinVar variation 1037253 (VCV001037253.7), dbSNP rs1252680307, ClinGen allele CA607929473.